The following is an entry in ClinVar:

NM_001376.5(DYNC1H1):c.9469-6T>C

Gene: DYNC1H1 (dynein cytoplasmic 1 heavy chain 1; plus strand). Cytogenetic location: 14q32.31.
Variant type: single nucleotide variant.
Coding change: c.9469-6T>C on transcript NM_001376.5 (MANE Select); 6 bases into the intron before coding-DNA position 9469, T replaced by C.
Molecular consequence: intron variant.
Genome position (GRCh38, 1-based): chr14:102,029,533, T>C. VCF-style: chr14-102029533-T-C. GRCh37 (hg19) VCF-style: chr14-102495870-T-C.
Other names: c.9469-6T>C (NM_001376.4).
Identifiers: ClinVar variation 3018860 (VCV003018860.4), dbSNP rs562414207, ClinGen allele CA266964086.

ClinVar aggregate classification (germline): Conflicting classifications of pathogenicity. Review status: criteria provided, conflicting classifications (1 of 4 stars). 2 submissions from 2 submitters: Uncertain significance (1); Likely benign (1). Last evaluated 2024-10-09.

Conditions:
Inborn genetic diseases. Identifiers: MedGen C0950123, MeSH D030342.
Charcot-Marie-Tooth disease axonal type 2O. Also called: CHARCOT-MARIE-TOOTH NEUROPATHY, AXONAL, TYPE 2O; CHARCOT-MARIE-TOOTH DISEASE, AXONAL, AUTOSOMAL DOMINANT, TYPE 2O; Charcot-Marie-Tooth Neuropathy Type 2O; Charcot-Marie-Tooth disease, axonal, type 20. Identifiers: Orphanet 284232, MedGen C3280220, MONDO:0013644, OMIM 614228.

Allele frequency attached by ClinVar (database versions not stated): gnomAD exomes below 0.00001.
gnomAD v4.1: 2 of 1,614,152 alleles (0.00012%); highest among the groups gnomAD compares: Non-Finnish European, 0.00017%; no homozygotes.

Submissions (2):

Ambry Genetics
Classification: Uncertain significance for Inborn genetic diseases. Last evaluated: 2024-10-09. Review status: criteria provided, single submitter. Criteria: Ambry Variant Classification Scheme 2023. Collection method: clinical testing. Allele origin: germline.
Comment: The c.9469-6T>C intronic alteration consists of a T to C substitution 6 nucleotides before coding exon 49 in the DYNC1H1 gene. Based on insufficient or conflicting evidence, the clinical significance of this alteration remains unclear.

Labcorp Genetics (formerly Invitae), Labcorp
Classification: Likely benign for Charcot-Marie-Tooth disease axonal type 2O. Last evaluated: 2023-05-05. Review status: criteria provided, single submitter. Criteria: Invitae Variant Classification Sherloc (09022015). Collection method: clinical testing. Allele origin: germline.